The following is an entry in ClinVar:

ClinVar aggregate classification (germline): Uncertain significance (1 of 4 stars; one submission).

Conditions:
Hereditary nonpolyposis colorectal neoplasms. Identifiers: MedGen C0009405, MeSH D003123.

Submission:

Labcorp Genetics (formerly Invitae), Labcorp
Classification: Uncertain significance for Hereditary nonpolyposis colorectal neoplasms. Last evaluated: 2022-07-06. Review status: criteria provided, single submitter. Criteria: Invitae Variant Classification Sherloc (09022015). Collection method: clinical testing. Allele origin: germline.
Comment: In summary, the available evidence is currently insufficient to determine the role of this variant in disease. Therefore, it has been classified as a Variant of Uncertain Significance. This sequence change replaces serine, which is neutral and polar, with arginine, which is basic and polar, at codon 360 of the MSH6 protein (p.Ser360Arg). This variant is not present in population databases (gnomAD no frequency). This variant has not been reported in the literature in individuals affected with MSH6-related conditions. ClinVar contains an entry for this variant (Variation ID: 455112). Advanced modeling of protein sequence and biophysical properties (such as structural, functional, and spatial information, amino acid conservation, physicochemical variation, residue mobility, and thermodynamic stability) performed at Invitae indicates that this missense variant is not expected to disrupt MSH6 protein function.

NM_000179.3(MSH6):c.1078A>C (p.Ser360Arg)

Gene: MSH6 (mutS homolog 6; plus strand). Cytogenetic location: 2p16.3.
Variant type: single nucleotide variant.
Coding change: c.1078A>C on transcript NM_000179.3 (MANE Select); coding-DNA position 1078, A replaced by C.
Protein change: p.Ser360Arg; replaces serine 360 with arginine.
Molecular consequence: missense variant.
Genome position (GRCh38, 1-based): chr2:47,799,061, A>C. VCF-style: chr2-47799061-A-C. GRCh37 (hg19) VCF-style: chr2-48026200-A-C.
Other names: c.688A>C, p.Ser230Arg (NM_001281492.2); c.172A>C, p.Ser58Arg (NM_001281493.2, NM_001281494.2); short protein forms S360R, S230R, S58R.
Identifiers: ClinVar variation 455112 (VCV000455112.9), dbSNP rs145994565, ClinGen allele CA346741759.
Genomic context (GRCh38, chr2:47,799,061, plus strand): 5'-TTCTCTGCCCCTCAAAATTCTGAATCCCAAGCCCACGTTAGTGGAGGTGGTGATGACAGT[A>C]GTCGCCCTACTGTTTGGTATCATGAAACTTTAGAATGGCTTAAGGAGGAAAAGAGAAGAG-3'
Protein context (NP_000170.1, residues 350-370): AHVSGGGDDS[Ser360Arg]RPTVWYHETL